The following is an entry in ClinVar:

ClinVar aggregate classification (germline): Benign (1 of 4 stars; one submission).

Conditions:
Platelet-type bleeding disorder 9 (BDPLT9). Also called: GLYCOPROTEIN Ia DEFICIENCY; GP Ia DEFICIENCY; COLLAGEN PLATELET RECEPTOR DEFICIENCY. Identifiers: Orphanet 73271, Orphanet 98886, MedGen C3280114, MONDO:0013622, OMIM 614200.

Allele frequency attached by ClinVar (database versions not stated): gnomAD 0.00001 and 0.00002; gnomAD exomes 0.00001 and 0.00002; ExAC 0.00002; TOPMed 0.00003; ESP Exome Variant Server 0.00015.
gnomAD v4.1: 29 of 1,612,974 alleles (0.0018%); highest among the groups gnomAD compares: Non-Finnish European, 0.002%; no homozygotes.

Submission:

Illumina Laboratory Services, Illumina
Classification: Benign for Platelet-type bleeding disorder 9. Last evaluated: 2018-01-12. Review status: criteria provided, single submitter. Criteria: ICSL Variant Classification Criteria 13 December 2019. Collection method: clinical testing. Allele origin: germline.
Comment: This variant was observed in the ICSL laboratory as part of a predisposition screen in an ostensibly healthy population. It had not been previously curated by ICSL or reported in the Human Gene Mutation Database (HGMD: prior to June 1st, 2018), and was therefore a candidate for classification through an automated scoring system. Utilizing variant allele frequency, disease prevalence and penetrance estimates, and inheritance mode, an automated score was calculated to assess if this variant is too frequent to cause the disease. Based on the score and internal cut-off values, a variant classified as benign is not then subjected to further curation. The score for this variant resulted in a classification of benign for this disease.

NM_002203.4(ITGA2):c.123C>T (p.Ser41=)

Gene: ITGA2 (integrin subunit alpha 2; plus strand). Cytogenetic location: 5q11.2.
Variant type: single nucleotide variant.
Coding change: c.123C>T on transcript NM_002203.4 (MANE Select); coding-DNA position 123, C replaced by T.
Protein change: p.Ser41=; no amino-acid change (serine 41 retained).
Molecular consequence: synonymous variant. On other transcripts: non-coding transcript variant (4).
Genome position (GRCh38, 1-based): chr5:53,026,806, C>T. VCF-style: chr5-53026806-C-T. GRCh37 (hg19) VCF-style: chr5-52322636-C-T.
Identifiers: ClinVar variation 904499 (VCV000904499.4), dbSNP rs140852048, ClinGen allele CA3262501.